The following is an entry in ClinVar:

NM_000226.4(KRT9):c.429A>C (p.Gly143=)

Gene: KRT9 (keratin 9; minus strand). Cytogenetic location: 17q21.2.
Variant type: single nucleotide variant.
Coding change: c.429A>C on transcript NM_000226.4 (MANE Select); coding-DNA position 429, A replaced by C.
Protein change: p.Gly143=; no amino-acid change (glycine 143 retained).
Molecular consequence: synonymous variant.
Genome position (GRCh38, 1-based): chr17:41,571,564, T>G on the plus strand (A>C on the coding strand, the complement: KRT9 is on the minus strand). VCF-style: chr17-41571564-T-G. GRCh37 (hg19) VCF-style: chr17-39727816-T-G.
Identifiers: ClinVar variation 66151 (VCV000066151.17), dbSNP rs8075921, ClinGen allele CA216555.

ClinVar aggregate classification (germline): Benign. Review status: criteria provided, multiple submitters, no conflicts (2 of 4 stars). 6 submissions from 6 submitters: Benign (5). 1 of the submissions does not count toward it. Last evaluated 2026-02-04.

Conditions:
Palmoplantar keratoderma, epidermolytic. Also called: Localized epidermolytic hyperkeratosis. Identifiers: MedGen C1721006, MONDO:0968949, HP:0007559.

Allele frequency attached by ClinVar (database versions not stated): TOPMed 0.54273; 1000 Genomes Project 30x 0.63429; ESP Exome Variant Server 0.50162.
gnomAD v4.1: 927,471 of 1,611,044 alleles (58%); highest among the groups gnomAD compares: East Asian, 96%; 274,331 homozygotes.

Submissions (6):

Labcorp Genetics (formerly Invitae), Labcorp
Classification: Benign. Last evaluated: 2026-02-04. Review status: criteria provided, single submitter. Criteria: Invitae Variant Classification Sherloc (09022015). Collection method: clinical testing. Allele origin: germline.

Genome-Nilou Lab
Classification: Benign for Epidermolytic palmoplantar keratoderma, 1. Last evaluated: 2021-08-19. Review status: criteria provided, single submitter. Criteria: ACMG Guidelines, 2015. Collection method: clinical testing. Allele origin: germline. Affected: no.

Illumina Laboratory Services, Illumina
Classification: Benign for Epidermolytic palmoplantar keratoderma, 1. Last evaluated: 2018-01-13. Review status: criteria provided, single submitter. Criteria: ICSL Variant Classification Criteria 13 December 2019. Collection method: clinical testing. Allele origin: germline.
Comment: This variant was observed in the ICSL laboratory as part of a predisposition screen in an ostensibly healthy population. It had not been previously curated by ICSL or reported in the Human Gene Mutation Database (HGMD: prior to June 1st, 2018), and was therefore a candidate for classification through an automated scoring system. Utilizing variant allele frequency, disease prevalence and penetrance estimates, and inheritance mode, an automated score was calculated to assess if this variant is too frequent to cause the disease. Based on the score and internal cut-off values, a variant classified as benign is not then subjected to further curation. The score for this variant resulted in a classification of benign for this disease.

GeneDx
Classification: Benign. Last evaluated: 2015-03-03. Review status: criteria provided, single submitter. Criteria: GeneDx Variant Classification Process June 2021. Collection method: clinical testing. Allele origin: germline. Affected: yes.

Breakthrough Genomics
Classification: Benign. Review status: criteria provided, single submitter. Criteria: ACMG Guidelines, 2015. Collection method: not provided. Allele origin: germline. Inheritance: Autosomal dominant inheritance. Affected: yes.

Epithelial Biology;  Institute of Medical Biology, Singapore
No classification provided. Review status: no classification provided. Collection method: not provided. Allele origin: not provided. Not counted in ClinVar's aggregate classification.